The following is an entry in ClinVar:

NM_000257.4(MYH7):c.727C>T (p.Arg243Cys)

Gene: MYH7 (myosin heavy chain 7; minus strand). Cytogenetic location: 14q11.2.
Variant type: single nucleotide variant.
Coding change: c.727C>T on transcript NM_000257.4 (MANE Select); coding-DNA position 727, C replaced by T.
Protein change: p.Arg243Cys; replaces arginine 243 with cysteine.
Molecular consequence: missense variant.
Genome position (GRCh38, 1-based): chr14:23,431,590, G>A on the plus strand (C>T on the coding strand, the complement: MYH7 is on the minus strand). VCF-style: chr14-23431590-G-A. GRCh37 (hg19) VCF-style: chr14-23900799-G-A.
Other names: short protein forms R243C.
Identifiers: ClinVar variation 43101 (VCV000043101.70), dbSNP rs397516265, ClinGen allele CA016694.

ClinVar aggregate classification (germline): Conflicting classifications of pathogenicity. Review status: criteria provided, conflicting classifications (1 of 4 stars). 17 submissions from 17 submitters: Pathogenic (3); Likely pathogenic (10); Uncertain significance (1). 3 of the submissions do not count toward it. Last evaluated 2026-09-01.

Conditions:
MYH7-related disorder. Also called: MYH7-related disorders; MYH7-related condition; MYH7-related disease.
Congenital myopathy with fiber type disproportion. Also called: Congenital fiber-type disproportion myopathy; Congenital fiber-type disproportion. Identifiers: Orphanet 2020, MedGen C0546264, MONDO:0009711. Inheritance: all.
MYH7-related skeletal myopathy. Also called: Myopathy, distal, 1; MYOPATHY, DISTAL, EARLY-ONSET, AUTOSOMAL DOMINANT; MYOPATHY, LATE DISTAL HEREDITARY; Laing distal myopathy; Laing early-onset distal myopathy. Identifiers: Orphanet 59135, MedGen C4552004, MONDO:0008050, OMIM 160500.
Dilated cardiomyopathy 1S (CMD1S). Identifiers: Orphanet 154, Orphanet 54260, MedGen C1834481, MONDO:0013262, OMIM 613426.
Myopathy, myosin storage, autosomal recessive (CMYO7B). Also called: CONGENITAL MYOPATHY 7B, MYOSIN STORAGE, AUTOSOMAL RECESSIVE. Identifiers: Orphanet 636970, MedGen C1850709, MONDO:0009708, OMIM 255160.
Hypertrophic cardiomyopathy 1 (CMH1). Also called: Familial hypertrophic cardiomyopathy 1; MYH7-Related Familial Hypertrophic Cardiomyopathy. Identifiers: MedGen C3495498, MONDO:0008647, OMIM 192600.
Myosin storage myopathy (CMYO7A). Also called: MYH7-related late-onset scapuloperoneal muscular dystrophy; Congenital myopathy 7A, myosin storage, autosomal dominant; Scapuloperoneal myopathy, MYH7-related; MYOPATHY WITH LYSIS OF TYPE I MYOFIBRILS; SCAPULOPERONEAL MUSCULAR DYSTROPHY; SCAPULOPERONEAL SYNDROME, MYOPATHIC TYPE. Identifiers: Orphanet 437572, Orphanet 636965, MedGen C1842160, MONDO:0008409, OMIM 608358.
Cardiovascular phenotype. Identifiers: MedGen CN230736.
Cardiomyopathy (CMYO). Also called: Cardiomyopathies. Identifiers: Orphanet 167848, MedGen C0878544, MONDO:0004994, HP:0001638. Inheritance: Various modes of inheritance.
Hypertrophic cardiomyopathy. Also called: HYPERTROPHIC MYOCARDIOPATHY. Identifiers: Orphanet 217569, MedGen C0007194, MeSH D002312, MONDO:0005045, HP:0001639.

Allele frequency attached by ClinVar (database versions not stated): gnomAD exomes 0.00001; gnomAD 0.00001.

Submissions 1 to 9 of 17:

CeGaT Center for Human Genetics Tuebingen
Classification: Likely pathogenic. Last evaluated: 2026-09-01. Review status: criteria provided, single submitter. Criteria: CeGaT Center For Human Genetics Tuebingen Variant Classification Criteria Version 2. Collection method: clinical testing. Allele origin: germline. Affected: yes. Observed: 2 variant alleles.
Comment: MYH7: PM1, PM2, PS4:Moderate, PP3, PS3:Supporting

GeneDx
Classification: Likely pathogenic. Last evaluated: 2026-08-19. Review status: criteria provided, single submitter. Criteria: GeneDx Variant Classification Process June 2021. Collection method: clinical testing. Allele origin: germline.
Comment: Identified in several unrelated patients with HCM in published literature (PMID: 29121657, 20350521, 21799269, 27247418, 27532257); In silico analysis supports that this missense variant has a deleterious effect on protein structure/function; Not observed at significant frequency in large population cohorts (gnomAD); This variant is associated with the following publications: (PMID: 20350521, 21799269, 27247418, 27532257, 25132132, 32830170, 30297972, 35653365, 33487615, 33705529, 37652022, 36964972, 32815737, 39125703, 29121657, 29300372)

3billion
Classification: Pathogenic for Hypertrophic cardiomyopathy 1. Last evaluated: 2026-01-06. Review status: criteria provided, single submitter. Criteria: ACMG Guidelines, 2015. Collection method: clinical testing. Allele origin: germline. Affected: yes.
Comment: The variant is observed at an extremely low frequency in the gnomAD v4.1.0 dataset (total allele frequency: <0.001%). Predicted Consequence/Location: The variant is located in a mutational hot spot and/or well-established functional domain in which established pathogenic variants have been reported (PMID: 29300372). In silico tool predictions suggest damaging effect of the variant on gene or gene product [REVEL: 0.95 (>=0.6, sensitivity 0.68 and specificity 0.92); 3Cnet: 0.99 (> 0.75, sensitivity 0.96 and precision 0.92)]. The same nucleotide change resulting in the same amino acid change has been previously reported as pathogenic/likely pathogenic with strong evidence (ClinVar ID: VCV000043101 /PMID: 21799269). Different missense changes at the same codon (p.Arg243His, p.Arg243Pro) have been reported as pathogenic/likely pathogenic with strong evidence (ClinVar ID: VCV000014126, VCV003338334 /PMID: 16267253). Therefore, this variant is classified as Pathogenic according to the recommendation of ACMG/AMP guideline.

Labcorp Genetics (formerly Invitae), Labcorp
Classification: Pathogenic for Hypertrophic cardiomyopathy. Last evaluated: 2025-11-21. Review status: criteria provided, single submitter. Criteria: Invitae Variant Classification Sherloc (09022015). Collection method: clinical testing. Allele origin: germline.
Comment: This sequence change replaces arginine, which is basic and polar, with cysteine, which is neutral and slightly polar, at codon 243 of the MYH7 protein (p.Arg243Cys). This variant is present in population databases (rs397516265, gnomAD 0.007%). This missense change has been observed in individuals with autosomal dominant hypertrophic cardiomyopathy (PMID: 21799269, 27247418, 27532257). ClinVar contains an entry for this variant (Variation ID: 43101). Invitae Evidence Modeling of protein sequence and biophysical properties (such as structural, functional, and spatial information, amino acid conservation, physicochemical variation, residue mobility, and thermodynamic stability) indicates that this missense variant is expected to disrupt MYH7 protein function with a positive predictive value of 95%. This variant disrupts the p.Arg243 amino acid residue in MYH7. Other variant(s) that disrupt this residue have been determined to be pathogenic (PMID: 18506004, 20965760, 21551322; internal data). This suggests that this residue is clinically significant, and that variants that disrupt this residue are likely to be disease-causing. For these reasons, this variant has been classified as Pathogenic.

Color Diagnostics, LLC DBA Color Health
Classification: Likely pathogenic for Cardiomyopathy. Last evaluated: 2025-06-29. Review status: criteria provided, single submitter. Criteria: ACMG Guidelines, 2015. Collection method: clinical testing. Allele origin: germline.
Comment: This missense variant replaces arginine with cysteine at codon 243 of the MYH7 protein. Computational prediction suggests that this variant may have a deleterious impact on protein structure and function. This variant is found within a highly conserved region of the myosin head domain. Missense variants in this region have been shown to be significantly overrepresented in individuals with hypertrophic cardiomyopathy (PMID: 27532257). Experimental functional studies using human induced pluripotent stem cells have shown that this variant causes impaired cardiomyocyte relaxation and increased multinucleation (PMID: 33705529). This variant has been reported in at least seven individuals affected with hypertrophic cardiomyopathy (PMID: 21799269, 27247418, 27532257, 30297972, 32815737, 32830170, 35653365, 37652022). This variant has been identified in 1/31404 chromosomes in the general population by the Genome Aggregation Database (gnomAD). Based on the available evidence, this variant is classified as Likely Pathogenic.

Molecular Diagnostic Laboratory for Inherited Cardiovascular Disease, Montreal Heart Institute
Classification: Pathogenic for Cardiovascular phenotype. Last evaluated: 2025-01-13. Review status: criteria provided, single submitter. Criteria: ACMG Guidelines, 2015. Collection method: clinical testing. Allele origin: germline. Affected: yes.
Comment: PS4, PS3_mod, PM1, PM2, PM5, PP3

North West Genomic Laboratory Hub, Manchester University NHS Foundation Trust
Classification: Likely pathogenic for Hypertrophic cardiomyopathy 1. Last evaluated: 2024-11-19. Review status: criteria provided, single submitter. Criteria: ACGS Best Practice Guidelines for Variant Classification in Rare Disease 2024. Collection method: clinical testing. Allele origin: germline. Affected: yes.
Comment: PM1_Mod PP3_Supp PS3_Supp PS4_Mod

All of Us Research Program, National Institutes of Health
Classification: Likely pathogenic for Hypertrophic cardiomyopathy. Last evaluated: 2024-09-25. Review status: criteria provided, single submitter. Criteria: ACMG Guidelines, 2015. Collection method: clinical testing. Allele origin: germline. Inheritance: Autosomal dominant inheritance. Observed: 5 variant alleles, 5 heterozygotes.
Comment: This missense variant replaces arginine with cysteine at codon 243 of the MYH7 protein. Computational prediction suggests that this variant may have a deleterious impact on protein structure and function (internally defined REVEL score threshold >= 0.7, PMID: 27666373). This variant is found within a highly conserved region of the myosin head domain. Missense variants in this region have been shown to be significantly overrepresented in individuals with hypertrophic cardiomyopathy (PMID: 27532257). Experimental functional studies using human induced pluripotent stem cells have shown that this variant causes impaired cardiomyocyte relaxation and increased multinucleation (PMID: 33705529). This variant has been reported in individuals affected with hypertrophic cardiomyopathy (PMID: 21799269, 27247418, 27532257, 30297972, 32815737, 32830170). This variant has been identified in 1/31404 chromosomes in the general population by the Genome Aggregation Database (gnomAD). Based on the available evidence, this variant is classified as Likely Pathogenic.

This study involves interpretation of variants in research participants for the purpose of population health screening. Participant phenotype was not available at the time of variant classification. Additional details can be found in publication PMID: 35346344, PMCID: PMC8962531

Blueprint Genetics
Classification: Likely pathogenic for MYH7-related disorders. Last evaluated: 2024-04-23. Review status: criteria provided, single submitter. Criteria: ACMG Guidelines, 2015. Collection method: clinical testing. Allele origin: germline. Affected: yes. Observed: 1 variant allele.